The following is an entry in ClinVar:

ClinVar aggregate classification (germline): Likely pathogenic (0 of 4 stars; one submission).

Conditions:
SOX9-related disorder. Also called: SOX9-related condition.

Submission:

PreventionGenetics, part of Exact Sciences
Classification: Likely pathogenic for SOX9-related condition. Last evaluated: 2024-01-05. Review status: no assertion criteria provided. Collection method: clinical testing. Allele origin: germline.
Comment: The SOX9 c.66delC variant is predicted to result in a frameshift and premature protein termination (p.Ser23Alafs*38). To our knowledge, this variant has not been reported in the literature in association with SOX9-related condition(s) or in a large population database, indicating this variant is rare. Frameshift variants in SOX9 are expected to be pathogenic. This variant is interpreted as likely pathogenic.

NM_000346.4(SOX9):c.66del (p.Ser23fs)

Genes: SOX9 (SRY-box transcription factor 9; plus strand), LOC108021846 (SOX9 promoter region; plus strand). Cytogenetic location: 17q24.3.
Variant type: Deletion.
Coding change: c.66del on transcript NM_000346.4 (MANE Select); coding-DNA position 66, one base deleted (C; older notation c.66delC).
Protein change: p.Ser23fs; shifts the reading frame from serine 23.
Molecular consequence: frameshift variant.
Genome position (GRCh38, 1-based): chr17:72,121,457, C deleted; the last of 5 consecutive C bases (chr17:72,121,453-72,121,457); deleting any one gives the same sequence. VCF-style (leftmost placement, unchanged base first): chr17-72121452-GC-G. GRCh37 (hg19) VCF-style: chr17-70117593-GC-G.
Other names: short protein forms S23fs.
Identifiers: ClinVar variation 3032236 (VCV003032236.2), dbSNP rs2509622714, ClinGen allele CA645598897.